The following is an entry in ClinVar:

NM_000159.4(GCDH):c.539C>T (p.Thr180Ile)

Gene: GCDH (glutaryl-CoA dehydrogenase; plus strand). Cytogenetic location: 19p13.13.
Variant type: single nucleotide variant.
Coding change: c.539C>T on transcript NM_000159.4 (MANE Select); coding-DNA position 539, C replaced by T.
Protein change: p.Thr180Ile; replaces threonine 180 with isoleucine.
Molecular consequence: missense variant. On other transcripts: non-coding transcript variant (2).
Genome position (GRCh38, 1-based): chr19:12,896,025, C>T. VCF-style: chr19-12896025-C-T. GRCh37 (hg19) VCF-style: chr19-13006839-C-T.
Other names: c.539C>T, p.Thr180Ile (NM_013976.5); short protein forms T180I.
Identifiers: ClinVar variation 2663930 (VCV002663930.1), dbSNP rs1568427430, ClinGen allele CA404318013.
Genomic context (GRCh38, chr19:12,896,025, plus strand): 5'-CCTTGTGACTTTGTCTTGTGCCTGCAGCCAAGGGGGAGCTCCTGGGCTGCTTCGGGCTCA[C>T]AGAGCCCAACAGCGGAAGTGACCCCAGCAGCATGGAGACCAGAGCCCACTACAACTCATC-3'
Protein context (NP_000150.1, residues 170-190): KGELLGCFGL[Thr180Ile]EPNSGSDPSS

ClinVar aggregate classification (germline): Uncertain significance (1 of 4 stars; one submission).

Conditions:
Glutaric aciduria, type 1. Also called: Glutaryl-CoA dehydrogenase deficiency; Glutaricaciduria, type I; GA I; Glutaric Acidemia Type 1; Glutaric acidemia type I; Glutaricacidemia Type 1. Identifiers: Orphanet 25, MedGen C0268595, MONDO:0009281, OMIM 231670.

Allele frequency attached by ClinVar (database versions not stated): gnomAD exomes below 0.00001; TOPMed below 0.00001.
gnomAD v4.1: 2 of 1,613,982 alleles (0.00012%); highest among the groups gnomAD compares: African/African-American, 0.0013%; no homozygotes.

Submission:

Neuberg Centre For Genomic Medicine, NCGM
Classification: Uncertain significance for Glutaric aciduria, type 1. Review status: criteria provided, single submitter. Criteria: ACMG Guidelines, 2015. Collection method: clinical testing. Allele origin: germline. Inheritance: Autosomal recessive inheritance. Affected: yes.
Comment: The missense c.539C>T(p.Thr180Ile) variant in GCDH gene has not been reported previously as a pathogenic variant nor a benign variant, to our knowledge. The p.Thr180Ile variant is novel (not in any individuals) in both gnomAD Exomes and 1000 Genomes databases. This variant has not been reported to the ClinVar database. The amino acid change p.Thr180Ile in GCDH is predicted as conserved by GERP++ and PhyloP across 100 vertebrates. The amino acid Thr at position 180 is changed to a Ile changing protein sequence and it might alter its composition and physico-chemical properties. For these reasons, this variant has been classified as a Variant of Uncertain Significance (VUS).